The following is an entry in ClinVar:

NM_001267550.2(TTN):c.26762-12_26762-11insTTTTG

Gene: TTN (titin; minus strand). Cytogenetic location: 2q31.2.
Variant type: Insertion.
Coding change: c.26762-12_26762-11insTTTTG on transcript NM_001267550.2 (MANE Select); 12 bases into the intron before coding-DNA position 26762 through 11 bases into the intron before coding-DNA position 26762, TTTTG inserted.
Molecular consequence: intron variant.
Genome position: GRCh38 VCF-style: chr2-178713383-C-CAAACA. GRCh37 (hg19) VCF-style: chr2-179578110-C-CAAACA.
Other names: c.13282+24698_13282+24699insTTTTG (NM_003319.4); c.13858+24698_13858+24699insTTTTG (NM_133437.4); c.13657+24698_13657+24699insTTTTG (NM_133432.3); c.23030-12_23030-11insTTTTG (NM_133378.4); c.25811-12_25811-11insTTTTG (NM_001256850.1); c.25811-14_25811-13insTTTGT (NM_001256850.1).
Identifiers: ClinVar variation 679086 (VCV000679086.1), dbSNP rs1577871550, ClinGen allele CA915942213.
Genomic context (GRCh38, chr2:178,713,383, plus strand): 5'-ACCATTTGTCTCTTTCAATTTTCTTGTGAATGAAGGAGGAACGGTTCGGTCTGAATGATA[C>CAAACA]AAAACAAAACAAAACAAAACAAAACAAAAAAAACAAAGGACAACAATTATAAAATGACTT-3'

ClinVar aggregate classification (germline): Likely benign (1 of 4 stars; one submission).

Submission:

GeneDx
Classification: Likely benign. Last evaluated: 2018-05-16. Review status: criteria provided, single submitter. Criteria: GeneDx Variant Classification (06012015). Collection method: clinical testing. Allele origin: germline. Affected: yes.
Comment: This variant is considered likely benign or benign based on one or more of the following criteria: it is a conservative change, it occurs at a poorly conserved position in the protein, it is predicted to be benign by multiple in silico algorithms, and/or has population frequency not consistent with disease.